The following is an entry in ClinVar:

NM_000077.5(CDKN2A):c.458-90C>A

Gene: CDKN2A (cyclin dependent kinase inhibitor 2A; minus strand). Cytogenetic location: 9p21.3.
Variant type: single nucleotide variant.
Coding change: c.458-90C>A on transcript NM_000077.5 (MANE Select); 90 bases into the intron before coding-DNA position 458, C replaced by A.
Molecular consequence: intron variant.
Genome position (GRCh38, 1-based): chr9:21,968,332, G>T on the plus strand (C>A on the coding strand, the complement: CDKN2A is on the minus strand). VCF-style: chr9-21968332-G-T. GRCh37 (hg19) VCF-style: chr9-21968331-G-T.
Other names: c.305-90C>A (NM_001363763.2); c.*102-90C>A (NM_058195.4); c.*151-90C>A (NM_001195132.2); c.*381-90C>A (NM_058197.5).
Identifiers: ClinVar variation 4294104 (VCV004294104.1).
Genomic context (GRCh38, chr9:21,968,332, plus strand): 5'-AGAAACCTGAGGTCAAAGATGTGTGGCACATCCCGCCCTCCTCTCTTGCCGTCCCTACCG[G>T]CATTGAAATACTTATGGATAAAGTTCTCGCAATGGCTTCACGTGCATGTACCCGCCGCCA-3'

ClinVar aggregate classification (germline): Benign (1 of 4 stars; one submission).

Conditions:
Melanoma-pancreatic cancer syndrome. Identifiers: Orphanet 404560, MedGen C1838547, MONDO:0011713, OMIM 606719. Disease mechanism: loss of function.

gnomAD v4.1: 3 of 1,549,312 alleles (0.00019%); highest among the groups gnomAD compares: African/African-American, 0.0014%; no homozygotes.

Submission:

Myriad Genetics, Inc.
Classification: Benign for Melanoma-pancreatic cancer syndrome. Last evaluated: 2025-09-12. Review status: criteria provided, single submitter. Criteria: Myriad Autosomal Dominant, Autosomal Recessive and X-Linked Classification Criteria (2023). Collection method: clinical testing. Allele origin: unknown.
Comment: This variant is considered benign. This variant is intronic and is not expected to impact mRNA splicing.